The following is an entry in ClinVar:

ClinVar aggregate classification (germline): Pathogenic (1 of 4 stars; one submission).

Conditions:
Neurofibromatosis, type 1 (NF1). Also called: VON RECKLINGHAUSEN DISEASE; NEUROFIBROMATOSIS, TYPE I, SOMATIC; Peripheral type neurofibromatosis; Neurofibromatosis, type I. Identifiers: Orphanet 636, MedGen C0027831, MONDO:0018975, OMIM 162200. Disease mechanism: loss of function.

Allele frequency attached by ClinVar (database versions not stated): gnomAD exomes below 0.00001.
gnomAD v4.1: 1 of 1,601,226 alleles (0.000062%); highest among the groups gnomAD compares: Non-Finnish European, 0.000085%; no homozygotes.

Submission:

Labcorp Genetics (formerly Invitae), Labcorp
Classification: Pathogenic for Neurofibromatosis, type 1. Last evaluated: 2018-11-10. Review status: criteria provided, single submitter. Criteria: Invitae Variant Classification Sherloc (09022015). Collection method: clinical testing. Allele origin: germline.
Comment: For these reasons, this variant has been classified as Pathogenic. Donor and acceptor splice site variants typically lead to a loss of protein function (PMID: 16199547), and loss-of-function variants in NF1 are known to be pathogenic (PMID: 10712197, 23913538). Experimental studies have shown that this intronic change results in exon 15 skipping and a subsequent frameshift (PMID: 27074763). Disruption of this splice site has been observed in individuals affected with neurofibromatosis type-1 (PMID: 27074763, 12807981, 24789688, 23913538). This variant is not present in population databases (ExAC no frequency). This sequence change affects an acceptor splice site in intron 14 of the NF1 gene. It is expected to disrupt RNA splicing and likely results in an absent or disrupted protein product.

Literature cited by the submitters: PubMed 16199547; PubMed 10712197; PubMed 23913538; PubMed 27074763; PubMed 12807981; PubMed 24789688.

NM_001042492.3(NF1):c.1642-2A>T

Gene: NF1 (neurofibromin 1; plus strand). Cytogenetic location: 17q11.2.
Variant type: single nucleotide variant.
Coding change: c.1642-2A>T on transcript NM_001042492.3 (MANE Select); the canonical splice acceptor site of the intron before coding-DNA position 1642, A replaced by T.
Molecular consequence: splice acceptor variant.
Genome position (GRCh38, 1-based): chr17:31,221,848, A>T. VCF-style: chr17-31221848-A-T. GRCh37 (hg19) VCF-style: chr17-29548866-A-T.
Other names: c.1642-2A>T (NM_000267.4, NM_001128147.3).
Identifiers: ClinVar variation 661992 (VCV000661992.6), dbSNP rs1597706620, ClinGen allele CA399002207.